The following is an entry in ClinVar:

ClinVar aggregate classification (germline): Uncertain significance. Review status: criteria provided, multiple submitters, no conflicts (2 of 4 stars). 2 submissions from 2 submitters: Uncertain significance (2). Last evaluated 2026-02-03.

gnomAD v4.1: 5 of 1,613,614 alleles (0.00031%); highest among the groups gnomAD compares: Non-Finnish European, 0.00034%; no homozygotes.

Submissions (2):

Labcorp Genetics (formerly Invitae), Labcorp
Classification: Uncertain significance. Last evaluated: 2026-02-03. Review status: criteria provided, single submitter. Criteria: Invitae Variant Classification Sherloc (09022015). Collection method: clinical testing. Allele origin: germline.
Comment: This sequence change replaces methionine, which is neutral and non-polar, with arginine, which is basic and polar, at codon 906 of the ALPK3 protein (p.Met906Arg). This variant is present in population databases (rs765528211, gnomAD 0.004%). This variant has not been reported in the literature in individuals affected with ALPK3-related conditions. ClinVar contains an entry for this variant (Variation ID: 3361075). An algorithm developed to predict the effect of missense changes on protein structure and function (PolyPhen-2) suggests that this variant is likely to be tolerated. In summary, the available evidence is currently insufficient to determine the role of this variant in disease. Therefore, it has been classified as a Variant of Uncertain Significance.

GeneDx
Classification: Uncertain significance. Last evaluated: 2023-07-14. Review status: criteria provided, single submitter. Criteria: GeneDx Variant Classification Process June 2021. Collection method: clinical testing. Allele origin: germline. Affected: yes.
Comment: Has not been previously published as pathogenic or benign to our knowledge; Not observed at significant frequency in large population cohorts (gnomAD); In silico analysis supports that this missense variant does not alter protein structure/function

NM_020778.5(ALPK3):c.2111T>G (p.Met704Arg)

Gene: ALPK3 (alpha kinase 3; plus strand). Cytogenetic location: 15q25.3.
Variant type: single nucleotide variant.
Coding change: c.2111T>G on transcript NM_020778.5 (MANE Select); coding-DNA position 2111, T replaced by G.
Protein change: p.Met704Arg; replaces methionine 704 with arginine.
Molecular consequence: missense variant.
Genome position (GRCh38, 1-based): chr15:84,856,849, T>G. VCF-style: chr15-84856849-T-G. GRCh37 (hg19) VCF-style: chr15-85400080-T-G.
Other names: short protein forms M704R.
Identifiers: ClinVar variation 3361075 (VCV003361075.2).